The following is an entry in ClinVar:

NM_015559.3(SETBP1):c.3158T>A (p.Met1053Lys)

Gene: SETBP1 (SET binding protein 1; plus strand). Cytogenetic location: 18q12.3.
Variant type: single nucleotide variant.
Coding change: c.3158T>A on transcript NM_015559.3 (MANE Select); coding-DNA position 3158, T replaced by A.
Protein change: p.Met1053Lys; replaces methionine 1053 with lysine.
Molecular consequence: missense variant.
Genome position (GRCh38, 1-based): chr18:44,952,498, T>A. VCF-style: chr18-44952498-T-A. GRCh37 (hg19) VCF-style: chr18-42532463-T-A.
Other names: c.3158T>A, p.Met1053Lys (NM_001379141.1, NM_001379142.1); short protein forms M1053K.
Identifiers: ClinVar variation 1315020 (VCV001315020.2), dbSNP rs1323234373, ClinGen allele CA402323681.

ClinVar aggregate classification (germline): Uncertain significance (1 of 4 stars; one submission).

Allele frequency attached by ClinVar (database versions not stated): gnomAD 0.00001.

Submission:

GeneDx
Classification: Uncertain significance. Last evaluated: 2020-01-30. Review status: criteria provided, single submitter. Criteria: GeneDx Variant Classification Process June 2021. Collection method: clinical testing. Allele origin: germline. Affected: yes.
Comment: In silico analysis, which includes protein predictors and evolutionary conservation, supports a deleterious effect; Has not been previously published as pathogenic or benign to our knowledge